The following is an entry in ClinVar:

NM_001206927.2(DNAH8):c.2756A>G (p.Asp919Gly)

Gene: DNAH8 (dynein axonemal heavy chain 8; plus strand). Cytogenetic location: 6p21.2.
Variant type: single nucleotide variant.
Coding change: c.2756A>G on transcript NM_001206927.2 (MANE Select); coding-DNA position 2756, A replaced by G.
Protein change: p.Asp919Gly; replaces aspartic acid 919 with glycine.
Molecular consequence: missense variant.
Genome position (GRCh38, 1-based): chr6:38,790,380, A>G. VCF-style: chr6-38790380-A-G. GRCh37 (hg19) VCF-style: chr6-38758156-A-G.
Other names: c.2105A>G, p.Asp702Gly (NM_001371.4); short protein forms D702G, D919G.
Identifiers: ClinVar variation 2161745 (VCV002161745.2), dbSNP rs559075687, ClinGen allele CA3788607.

ClinVar aggregate classification (germline): Uncertain significance (1 of 4 stars; one submission).

Conditions:
Primary ciliary dyskinesia. Also called: Ciliary dyskinesia. Identifiers: Orphanet 244, MedGen C0008780, MONDO:0016575, HP:0012265.

Allele frequency attached by ClinVar (database versions not stated): gnomAD exomes below 0.00001; gnomAD 0.00001; TOPMed 0.00002; ExAC 0.00003; 1000 Genomes Project 30x 0.00016; 1000 Genomes Project 0.00020.
gnomAD v4.1: 7 of 1,589,806 alleles (0.00044%); highest among the groups gnomAD compares: East Asian, 0.011%; no homozygotes.

Submission:

Labcorp Genetics (formerly Invitae), Labcorp
Classification: Uncertain significance for Primary ciliary dyskinesia. Last evaluated: 2024-02-24. Review status: criteria provided, single submitter. Criteria: Invitae Variant Classification Sherloc (09022015). Collection method: clinical testing. Allele origin: germline.
Comment: This sequence change replaces aspartic acid, which is acidic and polar, with glycine, which is neutral and non-polar, at codon 919 of the DNAH8 protein (p.Asp919Gly). This variant is present in population databases (rs559075687, gnomAD 0.03%). This variant has not been reported in the literature in individuals affected with DNAH8-related conditions. ClinVar contains an entry for this variant (Variation ID: 2161745). Algorithms developed to predict the effect of missense changes on protein structure and function output the following: SIFT: "Not Available"; PolyPhen-2: "Not Available"; Align-GVGD: "Not Available". The glycine amino acid residue is found in multiple mammalian species, which suggests that this missense change does not adversely affect protein function. Algorithms developed to predict the effect of sequence changes on RNA splicing suggest that this variant may disrupt the consensus splice site. In summary, the available evidence is currently insufficient to determine the role of this variant in disease. Therefore, it has been classified as a Variant of Uncertain Significance.